The following is an entry in ClinVar:

ClinVar aggregate classification (germline): Uncertain significance (1 of 4 stars; one submission).

Conditions:
Congenital contractural arachnodactyly (CCA). Also called: BEALS SYNDROME; Arthrogryposis, distal, type 9; Beals-Hecht syndrome. Identifiers: Orphanet 115, MedGen C0220668, MONDO:0007363, OMIM 121050.

Allele frequency attached by ClinVar (database versions not stated): TOPMed 0.00001.

Submission:

Labcorp Genetics (formerly Invitae), Labcorp
Classification: Uncertain significance for Congenital contractural arachnodactyly. Last evaluated: 2023-10-04. Review status: criteria provided, single submitter. Criteria: Invitae Variant Classification Sherloc (09022015). Collection method: clinical testing. Allele origin: germline.
Comment: This sequence change replaces serine, which is neutral and polar, with phenylalanine, which is neutral and non-polar, at codon 54 of the FBN2 protein (p.Ser54Phe). This variant is not present in population databases (gnomAD no frequency). This variant has not been reported in the literature in individuals affected with FBN2-related conditions. Advanced modeling of protein sequence and biophysical properties (such as structural, functional, and spatial information, amino acid conservation, physicochemical variation, residue mobility, and thermodynamic stability) performed at Invitae indicates that this missense variant is not expected to disrupt FBN2 protein function. In summary, the available evidence is currently insufficient to determine the role of this variant in disease. Therefore, it has been classified as a Variant of Uncertain Significance.

NM_001999.4(FBN2):c.161C>T (p.Ser54Phe)

Gene: FBN2 (fibrillin 2; minus strand). Cytogenetic location: 5q23.3.
Variant type: single nucleotide variant.
Coding change: c.161C>T on transcript NM_001999.4 (MANE Select); coding-DNA position 161, C replaced by T.
Protein change: p.Ser54Phe; replaces serine 54 with phenylalanine.
Molecular consequence: missense variant.
Genome position (GRCh38, 1-based): chr5:128,537,443, G>A on the plus strand (C>T on the coding strand, the complement: FBN2 is on the minus strand). VCF-style: chr5-128537443-G-A. GRCh37 (hg19) VCF-style: chr5-127873136-G-A.
Other names: short protein forms S54F.
Identifiers: ClinVar variation 2999432 (VCV002999432.3), dbSNP rs1357307403, ClinGen allele CA360762406.